The following is an entry in ClinVar:

ClinVar aggregate classification (germline): Uncertain significance. Review status: criteria provided, multiple submitters, no conflicts (2 of 4 stars). 2 submissions from 2 submitters: Uncertain significance (2). Last evaluated 2025-05-27.

Conditions:
Intellectual developmental disorder, autosomal dominant 6, with or without seizures. Also called: Intellectual disability, autosomal dominant 6; GRIN2B-related developmental delay, intellectual disability and autism spectrum disorder. Identifiers: Orphanet 589547, MedGen C3151411, MONDO:0013509, OMIM 613970.
Developmental and epileptic encephalopathy, 27 (DEE27). Also called: Epileptic encephalopathy, early infantile, 27; GRIN2B-Related Neurodevelopmental Disorder. Identifiers: Orphanet 3451, MedGen C4015316, MONDO:0014505, OMIM 616139.

Allele frequency attached by ClinVar (database versions not stated): gnomAD 0.00001; gnomAD exomes 0.00001; TOPMed 0.00002.
gnomAD v4.1: 13 of 1,614,094 alleles (0.00081%); highest among the groups gnomAD compares: African/African-American, 0.0013%; no homozygotes.

Submissions (2):

Labcorp Genetics (formerly Invitae), Labcorp
Classification: Uncertain significance for Developmental and epileptic encephalopathy, 27; Intellectual developmental disorder, autosomal dominant 6, with or without seizures. Last evaluated: 2025-05-27. Review status: criteria provided, single submitter. Criteria: Invitae Variant Classification Sherloc (09022015). Collection method: clinical testing. Allele origin: germline.
Comment: This sequence change replaces asparagine, which is neutral and polar, with isoleucine, which is neutral and non-polar, at codon 979 of the GRIN2B protein (p.Asn979Ile). This variant is not present in population databases (gnomAD no frequency). This variant has not been reported in the literature in individuals affected with GRIN2B-related conditions. ClinVar contains an entry for this variant (Variation ID: 205714). Invitae Evidence Modeling of protein sequence and biophysical properties (such as structural, functional, and spatial information, amino acid conservation, physicochemical variation, residue mobility, and thermodynamic stability) has been performed for this missense variant. However, the output from this modeling did not meet the statistical confidence thresholds required to predict the impact of this variant on GRIN2B protein function. In summary, the available evidence is currently insufficient to determine the role of this variant in disease. Therefore, it has been classified as a Variant of Uncertain Significance.

GeneDx
Classification: Uncertain significance. Last evaluated: 2014-09-29. Review status: criteria provided, single submitter. Criteria: GeneDx Variant Classification (06012015). Collection method: clinical testing. Allele origin: germline. Affected: yes.
Comment: p.Asn979Ile (N979I): c.2936 A>T. The N979I variant has not been published as a mutation, nor has it been reported as a benign polymorphism to our knowledge. It was not observed in approximately 6,500 individuals of European and African American ancestry in the NHLBI Exome Sequencing Project, indicating it is not a common benign variant in these populations. The N979I variant is a non-conservative amino acid substitution, which is likely to impact secondary protein structure as these residues differ in polarity, charge, size and/or other properties. This substitution occurs at a position that is conserved across species. In silico analysis predicts this variant is probably damaging to the protein structure/function. However, missense mutations in nearby residues have not been reported. N979I may be a benign variant, however, the possibility that it is a disease-associated mutation cannot be excluded. The variant is found in EPILEPSY panel(s).

NM_000834.5(GRIN2B):c.2936A>T (p.Asn979Ile)

Gene: GRIN2B (glutamate ionotropic receptor NMDA type subunit 2B; minus strand). Cytogenetic location: 12p13.1.
Variant type: single nucleotide variant.
Coding change: c.2936A>T on transcript NM_000834.5 (MANE Select); coding-DNA position 2936, A replaced by T.
Protein change: p.Asn979Ile; replaces asparagine 979 with isoleucine.
Molecular consequence: missense variant.
Genome position (GRCh38, 1-based): chr12:13,564,302, T>A on the plus strand (A>T on the coding strand, the complement: GRIN2B is on the minus strand). VCF-style: chr12-13564302-T-A. GRCh37 (hg19) VCF-style: chr12-13717236-T-A.
Other names: p.N979I:AAC>ATC; short protein forms N979I.
Identifiers: ClinVar variation 205714 (VCV000205714.7), dbSNP rs796052574, ClinGen allele CA315056.